The following is an entry in ClinVar:

ClinVar aggregate classification (germline): Likely benign. Review status: criteria provided, multiple submitters, no conflicts (2 of 4 stars). 2 submissions from 2 submitters: Likely benign (2). Last evaluated 2026-01-04.

Conditions:
Developmental and epileptic encephalopathy, 9 (DEE9). Also called: JUBERG-HELLMAN SYNDROME; Early infantile epileptic encephalopathy 9; PCDH19-Related X-Linked Female-Limited Epilepsy with Mental Retardation; EPILEPSY, FEMALE-RESTRICTED, WITH MENTAL RETARDATION. Identifiers: Orphanet 101039, Orphanet 2076, MedGen C1848137, MONDO:0010246, OMIM 300088. Disease mechanism: loss of function.

Allele frequency attached by ClinVar (database versions not stated): gnomAD exomes 0.00001 and 0.00002; ExAC 0.00002.

Submissions (2):

Labcorp Genetics (formerly Invitae), Labcorp
Classification: Likely benign for Developmental and epileptic encephalopathy, 9. Last evaluated: 2026-01-04. Review status: criteria provided, single submitter. Criteria: Invitae Variant Classification Sherloc (09022015). Collection method: clinical testing. Allele origin: germline.

GeneDx
Classification: Likely benign. Last evaluated: 2018-02-05. Review status: criteria provided, single submitter. Criteria: GeneDx Variant Classification (06012015). Collection method: clinical testing. Allele origin: germline. Affected: yes.
Comment: This variant is considered likely benign or benign based on one or more of the following criteria: it is a conservative change, it occurs at a poorly conserved position in the protein, it is predicted to be benign by multiple in silico algorithms, and/or has population frequency not consistent with disease.

NM_001184880.2(PCDH19):c.2460G>A (p.Thr820=)

Genes: PCDH19 (protocadherin 19; minus strand), LOC125467768 (CDK7 strongly-dependent group 2 enhancer GRCh37_chrX:99657381-99658580; plus strand). Cytogenetic location: Xq22.1.
Variant type: single nucleotide variant.
Coding change: c.2460G>A on transcript NM_001184880.2 (MANE Select); coding-DNA position 2460, G replaced by A.
Protein change: p.Thr820=; no amino-acid change (threonine 820 retained).
Molecular consequence: synonymous variant.
Genome position (GRCh38, 1-based): chrX:100,402,680, C>T on the plus strand (G>A on the coding strand, the complement: PCDH19 is on the minus strand). VCF-style: chrX-100402680-C-T. GRCh37 (hg19) VCF-style: chrX-99657678-C-T.
Other names: c.2319G>A, p.Thr773= (NM_001105243.2, NM_020766.3).
Identifiers: ClinVar variation 515269 (VCV000515269.6), dbSNP rs766769854, ClinGen allele CA10468768.